The following is an entry in ClinVar:

NM_012154.5(AGO2):c.2497C>T (p.Gln833Ter)

Gene: AGO2 (argonaute RISC catalytic component 2; minus strand). Cytogenetic location: 8q24.3.
Variant type: single nucleotide variant.
Coding change: c.2497C>T on transcript NM_012154.5 (MANE Select); coding-DNA position 2497, C replaced by T.
Protein change: p.Gln833Ter; replaces glutamine 833 with a stop codon.
Molecular consequence: nonsense.
Genome position (GRCh38, 1-based): chr8:140,532,127, G>A on the plus strand (C>T on the coding strand, the complement: AGO2 is on the minus strand). VCF-style: chr8-140532127-G-A. GRCh37 (hg19) VCF-style: chr8-141542226-G-A.
Other names: c.2395C>T, p.Gln799Ter (NM_001164623.3); short protein forms Q799*, Q833*.
Identifiers: ClinVar variation 3897420 (VCV003897420.1).

ClinVar aggregate classification (germline): Uncertain significance (1 of 4 stars; one submission).

Submission:

GeneDx
Classification: Uncertain significance. Last evaluated: 2024-10-31. Review status: criteria provided, single submitter. Criteria: GeneDx Variant Classification Process June 2021. Collection method: clinical testing. Allele origin: germline. Affected: yes.
Comment: Not observed at significant frequency in large population cohorts (gnomAD); Nonsense variant predicted to result in protein truncation as the last 27 amino acid(s) are lost with an unclear effect on protein function; Has not been previously published as pathogenic or benign to our knowledge